The following is an entry in ClinVar:

NM_000222.3(KIT):c.24G>T (p.Trp8Cys)

Gene: KIT (KIT proto-oncogene, receptor tyrosine kinase; plus strand). Cytogenetic location: 4q12.
Variant type: single nucleotide variant.
Coding change: c.24G>T on transcript NM_000222.3 (MANE Select); coding-DNA position 24, G replaced by T.
Protein change: p.Trp8Cys; replaces tryptophan 8 with cysteine.
Molecular consequence: missense variant.
Genome position (GRCh38, 1-based): chr4:54,658,038, G>T. VCF-style: chr4-54658038-G-T. GRCh37 (hg19) VCF-style: chr4-55524205-G-T.
Other names: c.24G>T, p.Trp8Cys (NM_001093772.2, NM_001385284.1, NM_001385285.1 and 4 more transcripts); short protein forms W8C.
Identifiers: ClinVar variation 3653358 (VCV003653358.2).

ClinVar aggregate classification (germline): Uncertain significance (1 of 4 stars; one submission).

Conditions:
Gastrointestinal stromal tumor. Also called: Gastrointestinal stromal tumor, somatic; Gastrointestinal stroma tumor. Identifiers: Orphanet 44890, MedGen C0238198, MeSH D046152, MONDO:0011719, OMIM 606764, HP:0100723.

Submission:

Labcorp Genetics (formerly Invitae), Labcorp
Classification: Uncertain significance for Gastrointestinal stromal tumor. Last evaluated: 2024-11-11. Review status: criteria provided, single submitter. Criteria: Invitae Variant Classification Sherloc (09022015). Collection method: clinical testing. Allele origin: germline.
Comment: This sequence change replaces tryptophan, which is neutral and slightly polar, with cysteine, which is neutral and slightly polar, at codon 8 of the KIT protein (p.Trp8Cys). This variant is not present in population databases (gnomAD no frequency). This variant has not been reported in the literature in individuals affected with KIT-related conditions. An algorithm developed to predict the effect of missense changes on protein structure and function (PolyPhen-2) suggests that this variant is likely to be disruptive. In summary, the available evidence is currently insufficient to determine the role of this variant in disease. Therefore, it has been classified as a Variant of Uncertain Significance.